The following is an entry in ClinVar:

ClinVar aggregate classification (germline): Uncertain significance (1 of 4 stars; one submission).

Conditions:
Cardiovascular phenotype. Identifiers: MedGen CN230736.

Submission:

Ambry Genetics
Classification: Uncertain significance for Cardiovascular phenotype. Last evaluated: 2023-06-08. Review status: criteria provided, single submitter. Criteria: Ambry Variant Classification Scheme 2023. Collection method: clinical testing. Allele origin: germline.
Comment: The c.896_899delGGCT variant, located in coding exon 4 of the SNTA1 gene, results from a deletion of 4 nucleotides at nucleotide positions 896 to 899, causing a translational frameshift with a predicted alternate stop codon (p.W299*). This alteration is expected to result in loss of function by premature protein truncation or nonsense-mediated mRNA decay. However, the evidence for this gene-disease relationship is limited; therefore, the clinical significance of this alteration is unclear.

NM_003098.3(SNTA1):c.896_899del (p.Gly298_Trp299insTer)

Gene: SNTA1 (syntrophin alpha 1; minus strand). Cytogenetic location: 20q11.21.
Variant type: Microsatellite.
Coding change: c.896_899del on transcript NM_003098.3 (MANE Select); coding-DNA positions 896 to 899, 4 bases deleted (GGCT; older notation c.896_899delGGCT).
Protein change: p.Gly298_Trp299insTer.
Molecular consequence: nonsense. On other transcripts: frameshift variant (2).
Genome position (GRCh38, 1-based): chr20:33,412,585-33,412,588, AGCC deleted on the plus strand (GGCT on the coding strand, the reverse complement: SNTA1 is on the minus strand); deleting any 4 consecutive bases within chr20:33,412,585-33,412,593 gives the same sequence; the c. name uses the placement nearest the transcript's 3' end. VCF-style (leftmost placement, unchanged base first): chr20-33412584-TAGCC-T. GRCh37 (hg19) VCF-style: chr20-32000390-TAGCC-T.
Other names: c.891_894TGGC[1], p.Trp299Terfs (NM_003098.2); c.896_899delGGCT (NM_003098.2).
Identifiers: ClinVar variation 1765262 (VCV001765262.3), dbSNP rs761957746, ClinGen allele CA9817114.